The following is an entry in ClinVar:

NM_003491.4(NAA10):c.469G>A (p.Glu157Lys)

Gene: NAA10 (N-alpha-acetyltransferase 10, NatA catalytic subunit; minus strand). Cytogenetic location: Xq28.
Variant type: single nucleotide variant.
Coding change: c.469G>A on transcript NM_003491.4 (MANE Select); coding-DNA position 469, G replaced by A.
Protein change: p.Glu157Lys; replaces glutamic acid 157 with lysine.
Molecular consequence: missense variant.
Genome position (GRCh38, 1-based): chrX:153,930,765, C>T on the plus strand (G>A on the coding strand, the complement: NAA10 is on the minus strand). VCF-style: chrX-153930765-C-T. GRCh37 (hg19) VCF-style: chrX-153196218-C-T.
Other names: Glu157Lys; c.424G>A, p.Glu142Lys (NM_001256119.2); c.451G>A, p.Glu151Lys (NM_001256120.2); short protein forms E142K, E151K, E157K.
Identifiers: ClinVar variation 1327568 (VCV001327568.5), dbSNP rs1557107264, ClinGen allele CA415157460.

ClinVar aggregate classification (germline): Likely pathogenic. Review status: criteria provided, multiple submitters, no conflicts (2 of 4 stars). 2 submissions from 2 submitters: Likely pathogenic (2). Last evaluated 2025-09-24.

Conditions:
Ogden syndrome (OGDNS). Also called: N-TERMINAL ACETYLTRANSFERASE DEFICIENCY. Identifiers: Orphanet 276432, MedGen C3275447, MONDO:0010457, OMIM 300855.
NAA10-related disorder. Also called: NAA10-related condition; NAA10-related disorders.

Allele frequency attached by ClinVar (database versions not stated): gnomAD exomes below 0.00001 and 0.00001.
gnomAD v4.1: 2 of 1,211,655 alleles (0.00017%); highest among the groups gnomAD compares: Non-Finnish European, 0.00022%; no homozygotes.

Submissions (2):

3billion
Classification: Likely pathogenic for NAA10-related disorder. Last evaluated: 2025-09-24. Review status: criteria provided, single submitter. Criteria: ACMG Guidelines, 2015. Collection method: clinical testing. Allele origin: germline. Affected: yes.
Comment: The variant is observed at an extremely low frequency in the gnomAD v4.1.0 dataset (total allele frequency: <0.001%). Predicted Consequence/Location: Missense variant. Missense changes are a common disease-causing mechanism. Functional studies provide moderate evidence of the variant having a damaging effect on the gene or gene product (PMID: 35039925). In silico tool predictions suggest damaging effect of the variant on gene or gene product [3Cnet: 0.93 (> 0.75, sensitivity 0.96 and precision 0.92)]. The same nucleotide change resulting in the same amino acid change has been previously reported to be associated with NAA10-related disorder (ClinVar ID: VCV001327568 /PMID: 35039925). Therefore, this variant is classified as Likely pathogenic according to the recommendation of ACMG/AMP guideline.

Arnesen Lab, University of Bergen
Classification: Likely pathogenic for Ogden syndrome. Review status: criteria provided, single submitter. Criteria: ACMG Guidelines, 2015. Collection method: clinical testing, in vitro. Allele origin: germline, not applicable. Inheritance: X-linked inheritance. Affected: yes. Observed: 1 hemizygote. Functional consequence: effect on protein activity.

Literature cited by the submitters: PubMed 35039925 (cited by 3billion).